The following is an entry in ClinVar:

NM_199242.3(UNC13D):c.23C>T (p.Pro8Leu)

Gene: UNC13D (unc-13 homolog D; minus strand). Cytogenetic location: 17q25.1.
Variant type: single nucleotide variant.
Coding change: c.23C>T on transcript NM_199242.3 (MANE Select); coding-DNA position 23, C replaced by T.
Protein change: p.Pro8Leu; replaces proline 8 with leucine.
Molecular consequence: missense variant.
Genome position (GRCh38, 1-based): chr17:75,844,315, G>A on the plus strand (C>T on the coding strand, the complement: UNC13D is on the minus strand). VCF-style: chr17-75844315-G-A. GRCh37 (hg19) VCF-style: chr17-73840396-G-A.
Other names: short protein forms P8L.
Identifiers: ClinVar variation 890037 (VCV000890037.9), dbSNP rs766811197, ClinGen allele CA8773699.

ClinVar aggregate classification (germline): Uncertain significance. Review status: criteria provided, multiple submitters, no conflicts (2 of 4 stars). 2 submissions from 2 submitters: Uncertain significance (2). Last evaluated 2025-01-13.

Conditions:
Familial hemophagocytic lymphohistiocytosis 3 (FHL3). Also called: UNC13D-Related Familial Hemophagocytic Lymphohistiocytosis (UNC13D-fHLH). Identifiers: Orphanet 540, MedGen C1837174, MONDO:0012146, OMIM 608898.

Allele frequency attached by ClinVar (database versions not stated): TOPMed below 0.00001; ExAC 0.00001; gnomAD exomes 0.00001.

Submissions (2):

Labcorp Genetics (formerly Invitae), Labcorp
Classification: Uncertain significance for Familial hemophagocytic lymphohistiocytosis 3. Last evaluated: 2025-01-13. Review status: criteria provided, single submitter. Criteria: Invitae Variant Classification Sherloc (09022015). Collection method: clinical testing. Allele origin: germline.
Comment: This sequence change replaces proline, which is neutral and non-polar, with leucine, which is neutral and non-polar, at codon 8 of the UNC13D protein (p.Pro8Leu). This variant is present in population databases (rs766811197, gnomAD 0.003%). This variant has not been reported in the literature in individuals affected with UNC13D-related conditions. ClinVar contains an entry for this variant (Variation ID: 890037). An algorithm developed to predict the effect of missense changes on protein structure and function outputs the following: PolyPhen-2: "Benign". The leucine amino acid residue is found in multiple mammalian species, which suggests that this missense change does not adversely affect protein function. In summary, the available evidence is currently insufficient to determine the role of this variant in disease. Therefore, it has been classified as a Variant of Uncertain Significance.

Illumina Laboratory Services, Illumina
Classification: Uncertain significance for Familial hemophagocytic lymphohistiocytosis 3. Last evaluated: 2018-01-13. Review status: criteria provided, single submitter. Criteria: ICSL Variant Classification Criteria 13 December 2019. Collection method: clinical testing. Allele origin: germline.